The following is an entry in ClinVar:

NM_000587.4(C7):c.149G>A (p.Arg50Gln)

Gene: C7 (complement C7; plus strand). Cytogenetic location: 5p13.1.
Variant type: single nucleotide variant.
Coding change: c.149G>A on transcript NM_000587.4 (MANE Select); coding-DNA position 149, G replaced by A.
Protein change: p.Arg50Gln; replaces arginine 50 with glutamine.
Molecular consequence: missense variant.
Genome position (GRCh38, 1-based): chr5:40,934,335, G>A. VCF-style: chr5-40934335-G-A. GRCh37 (hg19) VCF-style: chr5-40934437-G-A.
Other names: short protein forms R50Q.
Identifiers: ClinVar variation 1375807 (VCV001375807.3), dbSNP rs369128445, ClinGen allele CA3249548.

ClinVar aggregate classification (germline): Uncertain significance (1 of 4 stars; one submission).

Allele frequency attached by ClinVar (database versions not stated): ExAC 0.00003; gnomAD exomes 0.00004 and 0.00015; gnomAD 0.00007; ESP Exome Variant Server 0.00008; TOPMed 0.00008.
gnomAD v4.1: 233 of 1,591,864 alleles (0.015%); highest among the groups gnomAD compares: Non-Finnish European, 0.018%; no homozygotes.

Submission:

Labcorp Genetics (formerly Invitae), Labcorp
Classification: Uncertain significance. Last evaluated: 2022-07-20. Review status: criteria provided, single submitter. Criteria: Invitae Variant Classification Sherloc (09022015). Collection method: clinical testing. Allele origin: germline.
Comment: This sequence change replaces arginine, which is basic and polar, with glutamine, which is neutral and polar, at codon 50 of the C7 protein (p.Arg50Gln). This variant is present in population databases (rs369128445, gnomAD 0.008%). This variant has not been reported in the literature in individuals affected with C7-related conditions. ClinVar contains an entry for this variant (Variation ID: 1375807). Algorithms developed to predict the effect of missense changes on protein structure and function output the following: SIFT: "Deleterious"; PolyPhen-2: "Possibly Damaging"; Align-GVGD: "Class C0". The glutamine amino acid residue is found in multiple mammalian species, which suggests that this missense change does not adversely affect protein function. In summary, the available evidence is currently insufficient to determine the role of this variant in disease. Therefore, it has been classified as a Variant of Uncertain Significance.